The following is an entry in ClinVar:

ClinVar aggregate classification (germline): Uncertain significance (1 of 4 stars; one submission).

Conditions:
Congenital myotonia, autosomal dominant form (THD). Also called: THOMSEN DISEASE; Myotonia congenita autosomal dominant. Identifiers: Orphanet 614, MedGen C2936781, MONDO:0008055, OMIM 160800.
Congenital myotonia, autosomal recessive form. Also called: BECKER DISEASE; Becker Generalized Myotonia; myotonia congenita, autosomal recessive. Identifiers: Orphanet 614, MedGen C0751360, MONDO:0009715, OMIM 255700.

gnomAD v4.1: 22 of 1,613,846 alleles (0.0014%); highest among the groups gnomAD compares: Non-Finnish European, 0.0019%; no homozygotes.

Submission:

Labcorp Genetics (formerly Invitae), Labcorp
Classification: Uncertain significance for Congenital myotonia, autosomal recessive form; Congenital myotonia, autosomal dominant form. Last evaluated: 2025-10-13. Review status: criteria provided, single submitter. Criteria: Invitae Variant Classification Sherloc (09022015). Collection method: clinical testing. Allele origin: germline.
Comment: This sequence change falls in intron 16 of the CLCN1 gene. It does not directly change the encoded amino acid sequence of the CLCN1 protein. It affects a nucleotide within the consensus splice site. This variant is not present in population databases (gnomAD no frequency). This variant has been observed in individual(s) with myotonia congenita (PMID: 34529042). Variants that disrupt the consensus splice site are a relatively common cause of aberrant splicing (PMID: 17576681, 9536098). Algorithms developed to predict the effect of sequence changes on RNA splicing suggest that this variant may disrupt the consensus splice site. In summary, the available evidence is currently insufficient to determine the role of this variant in disease. Therefore, it has been classified as a Variant of Uncertain Significance.

Literature cited by the submitters: PubMed 34529042; PubMed 17576681; PubMed 9536098.

NM_000083.3(CLCN1):c.1930+6T>G

Gene: CLCN1 (chloride voltage-gated channel 1; plus strand). Cytogenetic location: 7q34.
Variant type: single nucleotide variant.
Coding change: c.1930+6T>G on transcript NM_000083.3 (MANE Select); 6 bases into the intron after coding-DNA position 1930, T replaced by G.
Molecular consequence: intron variant.
Genome position (GRCh38, 1-based): chr7:143,342,511, T>G. VCF-style: chr7-143342511-T-G. GRCh37 (hg19) VCF-style: chr7-143039604-T-G.
Identifiers: ClinVar variation 4791333 (VCV004791333.1).
Genomic context (GRCh38, chr7:143,342,511, plus strand): 5'-CGAACCCTGCTCCAGACCACCACAGTCAAGACTTTACCACTGGTTGACTCAAAAGGTCAG[T>G]GGGGAGGAAGAAGTCGACTCCAGAGCTAGTGACCTGAATAAGGGTCACATAGAGGTAGAG-3'